The following is an entry in ClinVar:

NM_152703.5(SAMD9L):c.1051G>C (p.Asp351His)

Gene: SAMD9L (sterile alpha motif domain containing 9 like; minus strand). Cytogenetic location: 7q21.2.
Variant type: single nucleotide variant.
Coding change: c.1051G>C on transcript NM_152703.5 (MANE Select); coding-DNA position 1051, G replaced by C.
Protein change: p.Asp351His; replaces aspartic acid 351 with histidine.
Molecular consequence: missense variant.
Genome position (GRCh38, 1-based): chr7:93,134,921, C>G on the plus strand (G>C on the coding strand, the complement: SAMD9L is on the minus strand). VCF-style: chr7-93134921-C-G. GRCh37 (hg19) VCF-style: chr7-92764234-C-G.
Other names: c.1051G>C, p.Asp351His (NM_001303496.3, NM_001303497.3, NM_001303498.3 and 5 more transcripts); short protein forms D351H.
Identifiers: ClinVar variation 5028965 (VCV005028965.1).

ClinVar aggregate classification (germline): Uncertain significance (1 of 4 stars; one submission).

Conditions:
Inborn genetic diseases. Identifiers: MedGen C0950123, MeSH D030342.

Submission:

Ambry Genetics
Classification: Uncertain significance for Inborn genetic diseases. Last evaluated: 2026-08-23. Review status: criteria provided, single submitter. Criteria: Ambry Variant Classification Scheme 2023. Collection method: clinical testing. Allele origin: germline.
Comment: The p.D351H variant (also known as c.1051G>C), located in coding exon 1 of the SAMD9L gene, results from a G to C substitution at nucleotide position 1051. The aspartic acid at codon 351 is replaced by histidine, an amino acid with similar properties. This amino acid position is conserved. In addition, this alteration is predicted to be tolerated by in silico analysis. Based on the available evidence, the clinical significance of this variant remains unclear.